The following continues an entry in ClinVar:

NM_000548.5(TSC2):c.1831C>T (p.Arg611Trp)

Gene: TSC2. ClinVar aggregate classification (germline): Pathogenic. Pathogenic (11). ClinVar aggregate classification (somatic clinical impact): Tier I - Strong.

Submissions 11 to 13 of 13:

Division of Genomic Medicine, Department of Advanced Medicine, Medical Research Institute, Kanazawa Medical University
Classification: Pathogenic for Tuberous sclerosis 2. Last evaluated: 2020-07-10. Review status: criteria provided, single submitter. Criteria: ACMG Guidelines, 2015. Collection method: clinical testing. Allele origin: germline. Affected: yes. Observed: 2 variant alleles.

Center for Genomics, Ann and Robert H. Lurie Children's Hospital of Chicago
Classification: Pathogenic for Lymphangiomyomatosis; Isolated focal cortical dysplasia type II; Tuberous sclerosis 2. Review status: criteria provided, single submitter. Criteria: ACMG Guidelines, 2015. Collection method: clinical testing. Allele origin: germline.
Comment: TSC2 NM_000548.4 exon 17 p.Arg611Trp (c.1831C>T): This variant has been well reported in the literature, described in several individuals with tuberous sclerosis, at least one of whom was reported to be de novo (Wilson 1996 PMID:8824881, Choy 1999 PMID:10735580, Jones 1999 PMID:10205261, Ali 2005 PMID:15595939, Au 2007 PMID:17304050, van Eeghen 2013 PMID:22867869, Tyburczy 2015 PMID:26540169). This variant is not present in large control databases. This variant is present in ClinVar, with several labs classifying this variant as pathogenic (Variation ID:49643). Evolutionary conservation and computational predictive tools suggest that this variant may impact the protein. In addition, functional studies also predict that this variant will impact the protein (Nellist 2001 PMID:11741832, Nellist 2005 PMID:15483652). Other variants at this same codon (p.Arg611Gln, p.Arg611Gly) have been reported in association with disease in the literature, supporting that this region has significance. In summary, this variant is classified as pathogenic

Tuberous sclerosis database (TSC2)
No classification provided. Condition: TSC. Review status: no classification provided. Criteria: Tuberous Sclerosis Database Assertion Criteria 2015. Collection method: curation. Allele origin: germline. Affected: yes. Not counted in ClinVar's aggregate classification.

Literature cited by the submitters: PubMed 8824881 (cited by Labcorp Genetics (formerly Invitae), Labcorp and Ambry Genetics); PubMed 10205261 (cited by Labcorp Genetics (formerly Invitae), Labcorp and Myriad Genetics, Inc.); PubMed 10735580 (cited by Labcorp Genetics (formerly Invitae), Labcorp and Ambry Genetics); PubMed 12111193 (cited by Labcorp Genetics (formerly Invitae), Labcorp and Ambry Genetics); PubMed 15595939 (cited by Labcorp Genetics (formerly Invitae), Labcorp and Ambry Genetics); PubMed 17304050 (cited by Labcorp Genetics (formerly Invitae), Labcorp); PubMed 22867869 (cited by Labcorp Genetics (formerly Invitae), Labcorp and Ambry Genetics); PubMed 26540169 (cited by Labcorp Genetics (formerly Invitae), Labcorp); PubMed 11741832 (cited by 4 submitters); PubMed 15483652 (cited by 4 submitters); PubMed 15963462 (cited by 3 submitters); PubMed 9463313 (cited by Labcorp Genetics (formerly Invitae), Labcorp); PubMed 29221145 (cited by Institute for Genomic Medicine (IGM) Clinical Laboratory, Nationwide Children's Hospital); PubMed 16237225 (cited by Institute for Genomic Medicine (IGM) Clinical Laboratory, Nationwide Children's Hospital); PubMed 9403714 (cited by Institute for Genomic Medicine (IGM) Clinical Laboratory, Nationwide Children's Hospital); PubMed 9007104 (cited by Institute for Genomic Medicine (IGM) Clinical Laboratory, Nationwide Children's Hospital); PubMed 33051600 (cited by Institute for Genomic Medicine (IGM) Clinical Laboratory, Nationwide Children's Hospital); PubMed 27625244 (cited by Institute for Genomic Medicine (IGM) Clinical Laboratory, Nationwide Children's Hospital); PubMed 35712104 (cited by Myriad Genetics, Inc.); PubMed 36232477 (cited by Myriad Genetics, Inc.); PubMed 32313033 (cited by Myriad Genetics, Inc.); PubMed 32917966 (cited by Myriad Genetics, Inc.); PubMed 27859028 (cited by Myriad Genetics, Inc.).